The following is an entry in ClinVar:

NM_020203.6(MEPE):c.108+1039G>A

Genes: MEPE (matrix extracellular phosphoglycoprotein; plus strand), MEPE-AS1 (MEPE and IBSP antisense RNA 1; minus strand). Cytogenetic location: 4q22.1.
Variant type: single nucleotide variant.
Coding change: c.108+1039G>A on transcript NM_020203.6 (MANE Select); 1039 bases into the intron after coding-DNA position 108, G replaced by A.
Molecular consequence: intron variant. On other transcripts: 5 prime UTR variant (1), missense variant (1).
Genome position (GRCh38, 1-based): chr4:87,839,724, G>A. VCF-style: chr4-87839724-G-A. GRCh37 (hg19) VCF-style: chr4-88760876-G-A.
Other names: c.-391G>A (NM_001184697.2); c.148G>A, p.Val50Ile (NM_001291183.2); c.108+1039G>A (NM_001184694.3); c.-359-203G>A (NM_001184696.2); c.-337-203G>A (NM_001184695.4); short protein forms V50I.
Identifiers: ClinVar variation 4982474 (VCV004982474.1).

ClinVar aggregate classification (germline): Uncertain significance (1 of 4 stars; one submission).

Conditions:
MEPE-related disorder. Also called: MEPE-related condition.

gnomAD v4.1: 28 of 1,550,116 alleles (0.0018%); highest among the groups gnomAD compares: Non-Finnish European, 0.0022%; no homozygotes.

Submission:

PreventionGenetics, part of Exact Sciences
Classification: Uncertain significance for MEPE-related condition. Last evaluated: 2025-12-12. Review status: criteria provided, single submitter. Criteria: ACMG Guidelines, 2015. Collection method: clinical testing. Allele origin: germline.
Comment: The MEPE c.148G>A variant is predicted to result in the amino acid substitution p.Val50Ile. To our knowledge, this variant has not been reported in the literature. This variant is reported in 0.0018% of alleles in individuals of European (Non-Finnish) descent in gnomAD. At this time, the clinical significance of this variant is uncertain due to the absence of conclusive functional and genetic evidence.